The following is an entry in ClinVar:

ClinVar aggregate classification (germline): Pathogenic (1 of 4 stars; one submission).

Submission:

Labcorp Genetics (formerly Invitae), Labcorp
Classification: Pathogenic. Last evaluated: 2019-05-20. Review status: criteria provided, single submitter. Criteria: Invitae Variant Classification Sherloc (09022015). Collection method: clinical testing. Allele origin: germline.
Comment: For these reasons, this variant has been classified as Pathogenic. This variant disrupts the C-terminus of the PHEX protein. Another variant that disrupts this region (c.2239C>T) has been determined to be pathogenic (PMID: 9199930, 9768674). This suggests that variants that disrupt this region of the protein are likely to be causative of disease. This variant has not been reported in the literature in individuals with PHEX-related conditions. This variant is not present in population databases (ExAC no frequency). This sequence change results in a frameshift in the PHEX gene (p.Arg747Aspfs*24). While this is not anticipated to result in nonsense mediated decay, it is expected to disrupt the last 3 amino acids of the PHEX protein and extend the protein by an additional 20 amino acids.

Literature cited by the submitters: PubMed 9199930; PubMed 9768674.

NM_000444.6(PHEX):c.2239del (p.Arg747fs)

Genes: PHEX (phosphate regulating endopeptidase X-linked; plus strand), PTCHD1-AS (PTCHD1 and PHEX antisense RNA; minus strand). Cytogenetic location: Xp22.11.
Variant type: Deletion.
Coding change: c.2239del on transcript NM_000444.6 (MANE Select); coding-DNA position 2239, one base deleted (C; older notation c.2239delC).
Protein change: p.Arg747fs; shifts the reading frame from arginine 747.
Molecular consequence: frameshift variant. On other transcripts: 3 prime UTR variant (1).
Genome position (GRCh38, 1-based): chrX:22,247,942, C deleted; the last of 2 consecutive C bases (chrX:22,247,941-22,247,942); deleting either gives the same sequence. VCF-style (leftmost placement, unchanged base first): chrX-22247940-GC-G. GRCh37 (hg19) VCF-style: chrX-22266057-GC-G.
Other names: c.*74del (NM_001282754.2); short protein forms R747fs.
Identifiers: ClinVar variation 943769 (VCV000943769.8), dbSNP rs1936440191, ClinGen allele CA1139667323.